The following is an entry in ClinVar:

NM_001267550.2(TTN):c.68976T>A (p.Asp22992Glu)

Genes: TTN (titin; minus strand), TTN-AS1 (TTN antisense RNA 1; plus strand). Cytogenetic location: 2q31.2.
Variant type: single nucleotide variant.
Coding change: c.68976T>A on transcript NM_001267550.2 (MANE Select); coding-DNA position 68976, T replaced by A.
Protein change: p.Asp22992Glu; replaces aspartic acid 22992 with glutamic acid.
Molecular consequence: missense variant.
Genome position (GRCh38, 1-based): chr2:178,577,359, A>T on the plus strand (T>A on the coding strand, the complement: TTN is on the minus strand). VCF-style: chr2-178577359-A-T. GRCh37 (hg19) VCF-style: chr2-179442086-A-T.
Other names: c.64053T>A, p.Asp21351Glu (NM_001256850.1); c.41781T>A, p.Asp13927Glu (NM_003319.4); c.61272T>A, p.Asp20424Glu (NM_133378.4); c.42156T>A, p.Asp14052Glu (NM_133432.3); c.42357T>A, p.Asp14119Glu (NM_133437.4); short protein forms D22992E, D20424E, D21351E, D13927E, D14052E, D14119E.
Identifiers: ClinVar variation 4982692 (VCV004982692.1).

ClinVar aggregate classification (germline): Uncertain significance (1 of 4 stars; one submission).

Conditions:
TTN-related disorder. Also called: TTN-related disorders; TTN-related condition; TTN-related disease.

Submission:

PreventionGenetics, part of Exact Sciences
Classification: Uncertain significance for TTN-related condition. Last evaluated: 2026-06-02. Review status: criteria provided, single submitter. Criteria: ACMG Guidelines, 2015. Collection method: clinical testing. Allele origin: germline.
Comment: The TTN c.68976T>A variant is predicted to result in the amino acid substitution p.Asp22992Glu. To our knowledge, this variant has not been reported in the literature. This variant is reported in 0.00089% of alleles in individuals of European (Non-Finnish) descent in gnomAD. At this time, the clinical significance of this variant is uncertain due to the absence of conclusive functional and genetic evidence.